The following is an entry in ClinVar:

ClinVar aggregate classification (germline): Pathogenic (1 of 4 stars; one submission).

Submission:

GeneDx
Classification: Pathogenic. Last evaluated: 2024-12-10. Review status: criteria provided, single submitter. Criteria: GeneDx Variant Classification Process June 2021. Collection method: clinical testing. Allele origin: germline. Affected: yes.
Comment: Nonsense variant predicted to result in protein truncation, as the last 563 amino acid(s) are lost, and other loss-of-function variants have been reported downstream in HGMD; Not observed at significant frequency in large population cohorts (gnomAD); Has not been previously published as pathogenic or benign to our knowledge

NM_019066.5(MAGEL2):c.2059C>T (p.Gln687Ter)

Gene: MAGEL2 (MAGE family member L2; minus strand). Cytogenetic location: 15q11.2.
Variant type: single nucleotide variant.
Coding change: c.2059C>T on transcript NM_019066.5 (MANE Select); coding-DNA position 2059, C replaced by T.
Protein change: p.Gln687Ter; replaces glutamine 687 with a stop codon.
Molecular consequence: nonsense.
Genome position (GRCh38, 1-based): chr15:23,645,684, G>A on the plus strand (C>T on the coding strand, the complement: MAGEL2 is on the minus strand). VCF-style: chr15-23645684-G-A. GRCh37 (hg19) VCF-style: chr15-23890831-G-A.
Other names: short protein forms Q687*.
Identifiers: ClinVar variation 3903167 (VCV003903167.1).